The following is an entry in ClinVar:

ClinVar aggregate classification (germline): Uncertain significance. Review status: criteria provided, multiple submitters, no conflicts (2 of 4 stars). 2 submissions from 2 submitters: Uncertain significance (2). Last evaluated 2025-03-04.

Conditions:
Ataxia-telangiectasia syndrome (AT). Also called: LOUIS-BAR SYNDROME; Ataxia-telangiectasia; Cerebello-oculocutaneous telangiectasia; Immunodeficiency with ataxia telangiectasia; ATAXIA-TELANGIECTASIA, COMPLEMENTATION GROUP A; ATAXIA-TELANGIECTASIA, FRESNO VARIANT. Identifiers: Orphanet 100, MedGen C0004135, MONDO:0008840, OMIM 208900.

Submissions (2):

Center for Genomic Medicine, Rigshospitalet, Copenhagen University Hospital
Classification: Uncertain significance. Last evaluated: 2025-03-04. Review status: criteria provided, single submitter. Criteria: ACMG Guidelines, 2015. Collection method: clinical testing. Allele origin: germline.

Labcorp Genetics (formerly Invitae), Labcorp
Classification: Uncertain significance for Ataxia-telangiectasia syndrome. Last evaluated: 2023-01-14. Review status: criteria provided, single submitter. Criteria: Invitae Variant Classification Sherloc (09022015). Collection method: clinical testing. Allele origin: germline.
Comment: This sequence change falls in intron 20 of the ATM gene. It does not directly change the encoded amino acid sequence of the ATM protein. In summary, the available evidence is currently insufficient to determine the role of this variant in disease. Therefore, it has been classified as a Variant of Uncertain Significance. Studies have shown that this variant is associated with altered splicing resulting in unknown protein product impact (Invitae). ClinVar contains an entry for this variant (Variation ID: 1492749). This variant has not been reported in the literature in individuals affected with ATM-related conditions. This variant is not present in population databases (gnomAD no frequency).

NM_000051.4(ATM):c.3078-10T>G

Gene: ATM (ATM serine/threonine kinase; plus strand). Cytogenetic location: 11q22.3.
Variant type: single nucleotide variant.
Coding change: c.3078-10T>G on transcript NM_000051.4 (MANE Select); 10 bases into the intron before coding-DNA position 3078, T replaced by G.
Molecular consequence: intron variant.
Genome position (GRCh38, 1-based): chr11:108,272,522, T>G. VCF-style: chr11-108272522-T-G. GRCh37 (hg19) VCF-style: chr11-108143249-T-G.
Other names: c.3078-10T>G (NM_001351834.2).
Identifiers: ClinVar variation 1492749 (VCV001492749.8), dbSNP rs2135564722, ClinGen allele CA2573146612.
Genomic context (GRCh38, chr11:108,272,522, plus strand): 5'-CTTTCAGTGAGTTTTCTGAGTGCTTTTATCAGAATGATTATTTAACTTTGGAAAACTTAC[T>G]TGATTTCAGGCATCTAACAAAGGAGAGGAAATATATATTCTCTGTAAGAATGGCCCTAGT-3'